The following is an entry in ClinVar:

ClinVar aggregate classification (germline): Uncertain significance (1 of 4 stars; one submission).

Conditions:
Familial melanoma. Also called: Hereditary melanoma; Hereditary cutaneous melanoma. Identifiers: Orphanet 618, MedGen C1512419, MONDO:0018961.

Allele frequency attached by ClinVar (database versions not stated): gnomAD exomes below 0.00001.
gnomAD v4.1: 2 of 1,614,178 alleles (0.00012%); highest among the groups gnomAD compares: Non-Finnish European, 0.00017%; no homozygotes.

Submission:

Labcorp Genetics (formerly Invitae), Labcorp
Classification: Uncertain significance for Familial melanoma. Last evaluated: 2024-06-24. Review status: criteria provided, single submitter. Criteria: Invitae Variant Classification Sherloc (09022015). Collection method: clinical testing. Allele origin: germline.
Comment: This sequence change replaces isoleucine, which is neutral and non-polar, with serine, which is neutral and polar, at codon 164 of the CDK4 protein (p.Ile164Ser). This variant is present in population databases (no rsID available, gnomAD 0.0009%). This variant has not been reported in the literature in individuals affected with CDK4-related conditions. An algorithm developed to predict the effect of missense changes on protein structure and function (PolyPhen-2) suggests that this variant is likely to be disruptive. In summary, the available evidence is currently insufficient to determine the role of this variant in disease. Therefore, it has been classified as a Variant of Uncertain Significance.

NM_000075.4(CDK4):c.491T>G (p.Ile164Ser)

Gene: CDK4 (cyclin dependent kinase 4; minus strand). Cytogenetic location: 12q14.1.
Variant type: single nucleotide variant.
Coding change: c.491T>G on transcript NM_000075.4 (MANE Select); coding-DNA position 491, T replaced by G.
Protein change: p.Ile164Ser; replaces isoleucine 164 with serine.
Molecular consequence: missense variant.
Genome position (GRCh38, 1-based): chr12:57,750,954, A>C on the plus strand (T>G on the coding strand, the complement: CDK4 is on the minus strand). VCF-style: chr12-57750954-A-C. GRCh37 (hg19) VCF-style: chr12-58144737-A-C.
Other names: short protein forms I164S.
Identifiers: ClinVar variation 2849457 (VCV002849457.3), dbSNP rs1222529576, ClinGen allele CA385546225.
Genomic context (GRCh38, chr12:57,750,954, plus strand): 5'-ACCCATTTTGGTACCATCTTTCTACTGACCACGGGTGTAAGTGCCATCTGGTAGCTGTAG[A>C]TTCTGGCCAGGCCAAAGTCAGCCAGCTTGACTGTTCCACCACTTGTCACCAGAATGTTCT-3'
Protein context (NP_000066.1, residues 154-174): VKLADFGLAR[Ile164Ser]YSYQMALTPV